The following is an entry in ClinVar:

NM_005228.5(EGFR):c.3588del (p.Glu1196fs)

Gene: EGFR (epidermal growth factor receptor; plus strand). Cytogenetic location: 7p11.2.
Variant type: Deletion.
Coding change: c.3588del on transcript NM_005228.5 (MANE Select); coding-DNA position 3588, one base deleted (A; older notation c.3588delA).
Protein change: p.Glu1196fs; shifts the reading frame from glutamic acid 1196.
Molecular consequence: frameshift variant.
Genome position (GRCh38, 1-based): chr7:55,205,572, A deleted; the last of 2 consecutive A bases (chr7:55,205,571-55,205,572); deleting either gives the same sequence. VCF-style (leftmost placement, unchanged base first): chr7-55205570-GA-G. GRCh37 (hg19) VCF-style: chr7-55273263-GA-G.
Other names: c.3453del, p.Glu1151fs (NM_001346899.2); c.3429del, p.Glu1143fs (NM_001346900.2); c.2787del, p.Glu929fs (NM_001346941.2); short protein forms E1151fs, E1143fs, E1196fs, E929fs.
Identifiers: ClinVar variation 957866 (VCV000957866.7), dbSNP rs1788077836, ClinGen allele CA1139660087.

ClinVar aggregate classification (germline): Uncertain significance (1 of 4 stars; one submission).

Conditions:
EGFR-related lung cancer (EGFR). Identifiers: MedGen CN130014.

Submission:

Labcorp Genetics (formerly Invitae), Labcorp
Classification: Uncertain significance for EGFR-related lung cancer. Last evaluated: 2019-10-04. Review status: criteria provided, single submitter. Criteria: Invitae Variant Classification Sherloc (09022015). Collection method: clinical testing. Allele origin: germline.
Comment: This variant is not present in population databases (ExAC no frequency). This sequence change results in a premature translational stop signal in the EGFR gene (p.Glu1196Aspfs*3). While this is not anticipated to result in nonsense mediated decay, it is expected to disrupt the last 15 amino acids of the EGFR protein. This variant has not been reported in the literature in individuals with EGFR-related conditions. Experimental studies and prediction algorithms are not available or were not evaluated, and the functional significance of this variant is currently unknown. In summary, the available evidence is currently insufficient to determine the role of this variant in disease. Therefore, it has been classified as a Variant of Uncertain Significance.